The following is an entry in ClinVar:

NM_020366.4(RPGRIP1):c.1220dup (p.Gln408fs)

Gene: RPGRIP1 (RPGR interacting protein 1; plus strand). Cytogenetic location: 14q11.2.
Variant type: Duplication.
Coding change: c.1220dup on transcript NM_020366.4 (MANE Select); coding-DNA position 1220, one base duplicated (A; older notation c.1220dupA).
Protein change: p.Gln408fs; shifts the reading frame from glutamine 408.
Molecular consequence: frameshift variant.
Genome position (GRCh38, 1-based): chr14:21,317,764, A duplicated. VCF-style (leftmost placement, unchanged base first): chr14-21317763-C-CA. GRCh37 (hg19) VCF-style: chr14-21785922-C-CA.
Other names: c.146dup, p.Gln50fs (NM_001377523.1, NM_001377948.1, NM_001377949.1 and 1 more transcripts); short protein forms Q50fs, Q408fs.
Identifiers: ClinVar variation 2152200 (VCV002152200.4), dbSNP rs2502752916, ClinGen allele CA2580087824.

ClinVar aggregate classification (germline): Pathogenic (1 of 4 stars; one submission).

Conditions:
Cone-rod dystrophy 13 (CORD13). Identifiers: Orphanet 1872, MedGen C2750720, MONDO:0011987, OMIM 608194.
Leber congenital amaurosis 6 (LCA6). Identifiers: Orphanet 65, MedGen C1854260, MONDO:0013446, OMIM 613826.

Submission:

Labcorp Genetics (formerly Invitae), Labcorp
Classification: Pathogenic for Leber congenital amaurosis 6; Cone-rod dystrophy 13. Last evaluated: 2022-08-23. Review status: criteria provided, single submitter. Criteria: Invitae Variant Classification Sherloc (09022015). Collection method: clinical testing. Allele origin: germline.
Comment: This sequence change creates a premature translational stop signal (p.Gln408Alafs*13) in the RPGRIP1 gene. It is expected to result in an absent or disrupted protein product. Loss-of-function variants in RPGRIP1 are known to be pathogenic (PMID: 11528500, 23105016). This variant is not present in population databases (gnomAD no frequency). This premature translational stop signal has been observed in individual(s) with RPGRIP1-related conditions (PMID: 28157192). For these reasons, this variant has been classified as Pathogenic.

Literature cited by the submitters: PubMed 11528500; PubMed 23105016; PubMed 28157192.